The following is an entry in ClinVar:

ClinVar aggregate classification (germline): Likely pathogenic (1 of 4 stars; one submission).

Conditions:
Medulloblastoma (MDB). Also called: MEDULLOBLASTOMA PREDISPOSITION SYNDROME; Medulloblastoma, somatic. Identifiers: Orphanet 616, MedGen C0025149, MeSH D008527, MONDO:0007959, OMIM 155255, HP:0002885.

Submission:

St. Jude Molecular Pathology, St. Jude Children's Research Hospital
Classification: Likely pathogenic for Medulloblastoma. Last evaluated: 2026-10-01. Review status: criteria provided, single submitter. Criteria: St. Jude Assertion Criteria 2020. Collection method: clinical testing. Allele origin: germline.
Comment: The ELP1 c.385+1G>T intronic change results in an G to T substitution at the +1 position of intron 4 of the E LP1 gene. This variant is predicted to result in loss of the native splice donor site and abnormal gene splicing, resulting in nonsense-mediated decay or an abnormal protein product. This is supported by internal RNA data. To our knowledge, this variant has not been reported in individuals with medulloblastoma or familial dysautonomia. This variant is absent in gnomAD v2.1.1. In summary, this variant meets criteria to be classified as likely pathogenic.

NM_003640.5(ELP1):c.385+1G>T

Gene: ELP1 (elongator acetyltransferase complex subunit 1; minus strand). Cytogenetic location: 9q31.3.
Variant type: single nucleotide variant.
Coding change: c.385+1G>T on transcript NM_003640.5 (MANE Select); the canonical splice donor site of the intron after coding-DNA position 385, G replaced by T.
Molecular consequence: splice donor variant.
Genome position (GRCh38, 1-based): chr9:108,927,371, C>A on the plus strand (G>T on the coding strand, the complement: ELP1 is on the minus strand). VCF-style: chr9-108927371-C-A. GRCh37 (hg19) VCF-style: chr9-111689651-C-A.
Other names: c.43+1G>T (NM_001318360.2); c.-475+1G>T (NM_001330749.2).
Identifiers: ClinVar variation 5038383 (VCV005038383.1).
Genomic context (GRCh38, chr9:108,927,371, plus strand): 5'-CCTGTAAGACATCTGGAATAATGTTTTAAAAAAGCCAGTGAGGCACCAGTAACAAGCTTA[C>A]CTGTGGCAAGAAGCACCAGCTCTTGGTCAGGACTCCAACTCATAACAGAGATACCACTGG-3'